The following is an entry in ClinVar:

ClinVar aggregate classification (germline): Uncertain significance (1 of 4 stars; one submission).

Conditions:
Infantile spasms. Also called: Infantile spasm. Identifiers: MedGen C3887898, HP:0012469.

Allele frequency attached by ClinVar (database versions not stated): gnomAD exomes below 0.00001; ExAC 0.00001; gnomAD 0.00001; ESP Exome Variant Server 0.00008.
gnomAD v4.1: 2 of 1,611,606 alleles (0.00012%); highest among the groups gnomAD compares: African/African-American, 0.0013%; no homozygotes.

Submission:

Labcorp Genetics (formerly Invitae), Labcorp
Classification: Uncertain significance for Infantile spasms. Last evaluated: 2022-10-25. Review status: criteria provided, single submitter. Criteria: Invitae Variant Classification Sherloc (09022015). Collection method: clinical testing. Allele origin: germline.
Comment: In summary, the available evidence is currently insufficient to determine the role of this variant in disease. Therefore, it has been classified as a Variant of Uncertain Significance. Algorithms developed to predict the effect of missense changes on protein structure and function (SIFT, PolyPhen-2, Align-GVGD) all suggest that this variant is likely to be tolerated. ClinVar contains an entry for this variant (Variation ID: 1055993). This variant has not been reported in the literature in individuals affected with PIK3AP1-related conditions. This variant is present in population databases (rs150135770, gnomAD 0.007%). This sequence change replaces glutamic acid, which is acidic and polar, with aspartic acid, which is acidic and polar, at codon 413 of the PIK3AP1 protein (p.Glu413Asp).

NM_152309.3(PIK3AP1):c.1239G>C (p.Glu413Asp)

Gene: PIK3AP1 (phosphoinositide-3-kinase adaptor protein 1; minus strand). Cytogenetic location: 10q24.1.
Variant type: single nucleotide variant.
Coding change: c.1239G>C on transcript NM_152309.3 (MANE Select); coding-DNA position 1239, G replaced by C.
Protein change: p.Glu413Asp; replaces glutamic acid 413 with aspartic acid.
Molecular consequence: missense variant.
Genome position (GRCh38, 1-based): chr10:96,645,609, C>G on the plus strand (G>C on the coding strand, the complement: PIK3AP1 is on the minus strand). VCF-style: chr10-96645609-C-G. GRCh37 (hg19) VCF-style: chr10-98405366-C-G.
Other names: short protein forms E413D.
Identifiers: ClinVar variation 1055993 (VCV001055993.9), dbSNP rs150135770, ClinGen allele CA5626330.